The following is an entry in ClinVar:

NM_000135.4(FANCA):c.3067-2A>G

Gene: FANCA (FA complementation group A; minus strand). Cytogenetic location: 16q24.3.
Variant type: single nucleotide variant.
Coding change: c.3067-2A>G on transcript NM_000135.4 (MANE Select); the canonical splice acceptor site of the intron before coding-DNA position 3067, A replaced by G.
Molecular consequence: splice acceptor variant.
Genome position (GRCh38, 1-based): chr16:89,749,904, T>C on the plus strand (A>G on the coding strand, the complement: FANCA is on the minus strand). VCF-style: chr16-89749904-T-C. GRCh37 (hg19) VCF-style: chr16-89816312-T-C.
Other names: c.3067-2A>G (NM_001286167.3).
Identifiers: ClinVar variation 1066108 (VCV001066108.8), dbSNP rs2143140176, ClinGen allele CA397486774.

ClinVar aggregate classification (germline): Likely pathogenic. Review status: criteria provided, multiple submitters, no conflicts (2 of 4 stars). 2 submissions from 2 submitters: Likely pathogenic (2). Last evaluated 2024-01-05.

Conditions:
Fanconi anemia complementation group A (FANCA). Also called: FANCA-Related Fanconi Anemia; Fanconi anemia, group A. Identifiers: Orphanet 84, MedGen C3469521, MONDO:0009215, OMIM 227650.
Fanconi anemia (FA). Also called: Fanconi's anemia. Identifiers: Orphanet 84, MedGen C0015625, MeSH D005199, MONDO:0019391.

Allele frequency attached by ClinVar (database versions not stated): gnomAD exomes below 0.00001.
gnomAD v4.1: 3 of 1,613,952 alleles (0.00019%); highest among the groups gnomAD compares: Non-Finnish European, 0.00025%; no homozygotes.

Submissions (2):

Fulgent Genetics
Classification: Likely pathogenic for Fanconi anemia complementation group A. Last evaluated: 2024-01-05. Review status: criteria provided, single submitter. Criteria: ACMG Guidelines, 2015. Collection method: clinical testing. Allele origin: germline.

Labcorp Genetics (formerly Invitae), Labcorp
Classification: Likely pathogenic for Fanconi anemia. Last evaluated: 2020-11-16. Review status: criteria provided, single submitter. Criteria: Invitae Variant Classification Sherloc (09022015). Collection method: clinical testing. Allele origin: germline.
Comment: This sequence change affects an acceptor splice site in intron 31 of the FANCA gene. It is expected to disrupt RNA splicing and likely results in an absent or disrupted protein product. This variant is not present in population databases (ExAC no frequency). This variant has not been reported in the literature in individuals with FANCA-related disease. Donor and acceptor splice site variants typically lead to a loss of protein function (PMID: 16199547), and loss-of-function variants in FANCA are known to be pathogenic (PMID: 19367192). In summary, the currently available evidence indicates that the variant is pathogenic, but additional data are needed to prove that conclusively. Therefore, this variant has been classified as Likely Pathogenic.

Literature cited by the submitters: PubMed 16199547 (cited by Labcorp Genetics (formerly Invitae), Labcorp); PubMed 19367192 (cited by Labcorp Genetics (formerly Invitae), Labcorp).